The following is an entry in ClinVar:

ClinVar aggregate classification (germline): Likely pathogenic. Review status: criteria provided, single submitter (1 of 4 stars). 2 submissions from 2 submitters: Likely pathogenic (1). 1 of the submissions does not count toward it. Last evaluated 2026-04-22.

Conditions:
Hereditary neuropathy or pain disorder.

Submissions (2):

NHS Central & South Genomic Laboratory Hub
Classification: Likely pathogenic for Hereditary neuropathy or pain disorder. Last evaluated: 2026-04-22. Review status: criteria provided, single submitter. Criteria: ACMG Guidelines, 2015. Collection method: clinical testing. Allele origin: germline. Affected: yes.

Northcott Neuroscience Laboratory, ANZAC Research Institute
Classification: Likely pathogenic. Review status: no assertion criteria provided. Collection method: not provided. Allele origin: germline. Not counted in ClinVar's aggregate classification.
Comment: Family K
ClinVar note: Converted during submission from probable-pathogenic to Likely pathogenic.

NM_006158.5(NEFL):c.803T>G (p.Leu268Arg)

Gene: NEFL (neurofilament light chain; minus strand). Cytogenetic location: 8p21.2.
Variant type: single nucleotide variant.
Coding change: c.803T>G on transcript NM_006158.5 (MANE Select); coding-DNA position 803, T replaced by G.
Protein change: p.Leu268Arg; replaces leucine 268 with arginine.
Molecular consequence: missense variant.
Genome position (GRCh38, 1-based): chr8:24,955,713, A>C on the plus strand (T>G on the coding strand, the complement: NEFL is on the minus strand). VCF-style: chr8-24955713-A-C. GRCh37 (hg19) VCF-style: chr8-24813227-A-C.
Other names: short protein forms L268R.
Identifiers: ClinVar variation 155741 (VCV000155741.3), dbSNP rs62636502, ClinGen allele CA233085.